The following is an entry in ClinVar:

GRCh38/hg38 9p24.3(chr9:204193-266104)x3

Genes: DOCK8 (dedicator of cytokinesis 8; plus strand), DOCK8-AS1 (DOCK8 antisense RNA 1; minus strand), LOC130001435 (ATAC-STARR-seq lymphoblastoid silent region 19720; plus strand), LOC130001436 (ATAC-STARR-seq lymphoblastoid silent region 19721; plus strand), LOC130001437 (ATAC-STARR-seq lymphoblastoid silent region 19722; plus strand) and 1 more. Cytogenetic location: 9p24.3.
Variant type: copy number gain.
Change: copy number 3 (three copies instead of two) of chr9:204,193-266,104 (61.9 kb, GRCh38 coordinates, 1-based), cytogenetic band 9p24.3.
Identifiers: ClinVar variation 57105 (VCV000057105.1).

ClinVar aggregate classification (germline): Uncertain significance (1 of 4 stars; one submission).

Submission:

ISCA site 4
Classification: Uncertain significance. Last evaluated: 2011-08-12. Review status: criteria provided, single submitter. Criteria: Kaminsky et al. (Genet Med. 2011). Collection method: clinical testing. Allele origin: unknown. Affected: yes. Observed: 1 variant allele.
Comment: Copy number variation identified through the course of routine clinical cytogenomic testing in postnatal populations. Clinical assertions have been curated as described in Kaminsky et al. 2011.